The following is an entry in ClinVar:

NM_001868.4(CPA1):c.65+3del

Gene: CPA1 (carboxypeptidase A1; plus strand). Cytogenetic location: 7q32.2.
Variant type: Deletion.
Coding change: c.65+3del on transcript NM_001868.4 (MANE Select); 3 bases into the intron after coding-DNA position 65, one base deleted (A; older notation c.65+3delA).
Molecular consequence: intron variant.
Genome position (GRCh38, 1-based): chr7:130,380,588, A deleted. VCF-style (leftmost placement, unchanged base first): chr7-130380587-TA-T. GRCh37 (hg19) VCF-style: chr7-130020428-TA-T.
Identifiers: ClinVar variation 826453 (VCV000826453.14), dbSNP rs574196558, ClinGen allele CA4484656.

ClinVar aggregate classification (germline): Conflicting classifications of pathogenicity. Review status: criteria provided, conflicting classifications (1 of 4 stars). 2 submissions from 2 submitters: Uncertain significance (1); Likely benign (1). Last evaluated 2026-01-27.

Conditions:
Hereditary pancreatitis (PCTT). Also called: Hereditary chronic pancreatitis; PRSS1-Related Hereditary Pancreatitis. Identifiers: Orphanet 676, MedGen C0238339, MONDO:0008185, OMIM 167800.

Allele frequency attached by ClinVar (database versions not stated): gnomAD exomes 0.00001 and 0.00009; gnomAD 0.00005 and 0.00008; TOPMed 0.00005; ExAC 0.00008; 1000 Genomes Project 0.00080; 1000 Genomes Project 30x 0.00094.

Submissions (2):

Labcorp Genetics (formerly Invitae), Labcorp
Classification: Likely benign. Last evaluated: 2026-01-27. Review status: criteria provided, single submitter. Criteria: Invitae Variant Classification Sherloc (09022015). Collection method: clinical testing. Allele origin: germline.

Ambry Genetics
Classification: Uncertain significance for Hereditary pancreatitis. Last evaluated: 2024-05-28. Review status: criteria provided, single submitter. Criteria: Ambry Variant Classification Scheme 2023. Collection method: clinical testing. Allele origin: germline.
Comment: The c.65+3delA intronic variant, located in intron 1 of the CPA1 gene, results from a deletion of one nucleotide within intron 1 of the CPA1 gene. This nucleotide position is highly conserved in available vertebrate species. In silico splice site analysis predicts that this alteration may weaken the native splice donor site. Based on the available evidence, the clinical significance of this variant remains unclear.